The following is an entry in ClinVar:

NM_000376.3(VDR):c.575C>G (p.Thr192Ser)

Gene: VDR (vitamin D receptor; minus strand). Cytogenetic location: 12q13.11.
Variant type: single nucleotide variant.
Coding change: c.575C>G on transcript NM_000376.3 (MANE Select); coding-DNA position 575, C replaced by G.
Protein change: p.Thr192Ser; replaces threonine 192 with serine.
Molecular consequence: missense variant.
Genome position (GRCh38, 1-based): chr12:47,857,137, G>C on the plus strand (C>G on the coding strand, the complement: VDR is on the minus strand). VCF-style: chr12-47857137-G-C. GRCh37 (hg19) VCF-style: chr12-48250920-G-C.
Other names: c.575C>G, p.Thr192Ser (NM_001017535.2, NM_001364085.2, NM_001374661.1 and 1 more transcripts); c.725C>G, p.Thr242Ser (NM_001017536.2); short protein forms T242S, T192S.
Identifiers: ClinVar variation 2521491 (VCV002521491.5), dbSNP rs540774973, ClinGen allele CA6533914.
Genomic context (GRCh38, chr12:47,857,137, plus strand): 5'-GGACTCCTCGCCCCCGCTCCCTTACTCTATGGAGGACTGAAGTCCTGCTTACCTGAAGAG[G>C]TGATACAGTGATCTGAGCAGGAGGAGGAGGAGTCCCCAGAGAAGCTGGGAGTGTGTCTGG-3'
Protein context (NP_000367.1, residues 182-202): SSSSCSDHCI[Thr192Ser]SSDMMDSSSF

ClinVar aggregate classification (germline): Conflicting classifications of pathogenicity. Review status: criteria provided, conflicting classifications (1 of 4 stars). 4 submissions from 4 submitters: Uncertain significance (3); Likely benign (1). Last evaluated 2026-06-20.

Conditions:
Inborn genetic diseases. Identifiers: MedGen C0950123, MeSH D030342.
Vitamin D-dependent rickets type II with alopecia (VDDR2A). Also called: PSEUDOVITAMIN D-DEFICIENCY, TYPE IIA; RICKETS, HEREDITARY VITAMIN D-RESISTANT; RICKETS-ALOPECIA SYNDROME; GENERALIZED RESISTANCE TO 1,25-DIHYDROXYVITAMIN D; HYPOCALCEMIC VITAMIN D-RESISTANT RICKETS; PDDR IIA. Identifiers: Orphanet 93160, MedGen C0342646, MONDO:0010186, OMIM 277440.

Allele frequency attached by ClinVar (database versions not stated): TOPMed 0.00004; ExAC 0.00005; gnomAD 0.00003; 1000 Genomes Project 0.00020; gnomAD exomes 0.00004; 1000 Genomes Project 30x 0.00031.
gnomAD v4.1: 62 of 1,614,148 alleles (0.0038%); highest among the groups gnomAD compares: Non-Finnish European, 0.0047%; no homozygotes.

Submissions (4):

Women's Health and Genetics/Laboratory Corporation of America, LabCorp
Classification: Uncertain significance. Last evaluated: 2026-06-20. Review status: criteria provided, single submitter. Criteria: LabCorp Variant Classification Summary - May 2015. Collection method: clinical testing. Allele origin: germline.
Comment: Variant summary: VDR c.575C>G (p.Thr192Ser) results in a conservative amino acid change in the encoded protein sequence. Algorithms developed to predict the effect of missense changes on protein structure and function all suggest that this variant is likely to be tolerated. The variant allele was found at a frequency of 4.8e-05 in 251326 control chromosomes. This frequency is not significantly higher than estimated for disease-causing variants in VDR, allowing no conclusion about variant significance. To our knowledge, no occurrence of c.575C>G in individuals affected with VDR-related conditions and no experimental evidence demonstrating its impact on protein function have been reported. ClinVar contains an entry for this variant (Variation ID: 2521491). Based on the evidence outlined above, the variant was classified as uncertain significance.

Labcorp Genetics (formerly Invitae), Labcorp
Classification: Uncertain significance. Last evaluated: 2025-10-02. Review status: criteria provided, single submitter. Criteria: Invitae Variant Classification Sherloc (09022015). Collection method: clinical testing. Allele origin: germline.
Comment: This sequence change replaces threonine, which is neutral and polar, with serine, which is neutral and polar, at codon 192 of the VDR protein (p.Thr192Ser). This variant is present in population databases (rs540774973, gnomAD 0.01%). This variant has not been reported in the literature in individuals affected with VDR-related conditions. ClinVar contains an entry for this variant (Variation ID: 2521491). Invitae Evidence Modeling of protein sequence and biophysical properties (such as structural, functional, and spatial information, amino acid conservation, physicochemical variation, residue mobility, and thermodynamic stability) indicates that this missense variant is not expected to disrupt VDR protein function with a negative predictive value of 80%. In summary, the available evidence is currently insufficient to determine the role of this variant in disease. Therefore, it has been classified as a Variant of Uncertain Significance.

Fulgent Genetics
Classification: Uncertain significance for Vitamin D-dependent rickets type II with alopecia. Last evaluated: 2024-06-18. Review status: criteria provided, single submitter. Criteria: ACMG Guidelines, 2015. Collection method: clinical testing. Allele origin: germline.

Ambry Genetics
Classification: Likely benign for Inborn genetic diseases. Last evaluated: 2023-05-23. Review status: criteria provided, single submitter. Criteria: Ambry Variant Classification Scheme 2023. Collection method: clinical testing. Allele origin: germline.